The following is an entry in ClinVar:

NM_000368.5(TSC1):c.632A>G (p.Glu211Gly)

Gene: TSC1 (TSC complex subunit 1; minus strand). Cytogenetic location: 9q34.13.
Variant type: single nucleotide variant.
Coding change: c.632A>G on transcript NM_000368.5 (MANE Select); coding-DNA position 632, A replaced by G.
Protein change: p.Glu211Gly; replaces glutamic acid 211 with glycine.
Molecular consequence: missense variant. On other transcripts: 5 prime UTR variant (5), non-coding transcript variant (5).
Genome position (GRCh38, 1-based): chr9:132,921,850, T>C on the plus strand (A>G on the coding strand, the complement: TSC1 is on the minus strand). VCF-style: chr9-132921850-T-C. GRCh37 (hg19) VCF-style: chr9-135797237-T-C.
Other names: c.632A>G, p.Glu211Gly (NM_001162426.2, NM_001406592.1, NM_001406593.1 and 16 more transcripts); c.479A>G, p.Glu160Gly (NM_001162427.2, NM_001406610.1, NM_001406611.1 and 2 more transcripts); c.269A>G, p.Glu90Gly (NM_001406614.1, NM_001406615.1, NM_001406616.1 and 10 more transcripts); c.-246A>G (NM_001406626.1, NM_001406627.1, NM_001406628.1); c.-388A>G (NM_001406629.1); c.-462A>G (NM_001406630.1); short protein forms E211G, E90G, E160G.
Identifiers: ClinVar variation 4554062 (VCV004554062.2).

ClinVar aggregate classification (germline): Uncertain significance (1 of 4 stars; one submission).

Conditions:
Hereditary cancer-predisposing syndrome. Also called: Neoplastic Syndromes, Hereditary; Tumor predisposition; Hereditary Cancer Syndrome; Hereditary neoplastic syndrome. Identifiers: Orphanet 140162, MedGen C0027672, MeSH D009386, MONDO:0015356.

Submission:

Ambry Genetics
Classification: Uncertain significance for Hereditary cancer-predisposing syndrome. Last evaluated: 2026-08-21. Review status: criteria provided, single submitter. Criteria: Ambry Variant Classification Scheme 2023. Collection method: clinical testing. Allele origin: germline.
Comment: The p.E211G variant (also known as c.632A>G), located in coding exon 5 of the TSC1 gene, results from an A to G substitution at nucleotide position 632. The glutamic acid at codon 211 is replaced by glycine, an amino acid with similar properties. This amino acid position is highly conserved in available vertebrate species. In addition, this alteration is predicted to be deleterious by in silico analysis. Based on the available evidence, the clinical significance of this variant remains unclear.